The following is an entry in ClinVar:

ClinVar aggregate classification (germline): Pathogenic (1 of 4 stars; one submission).

Conditions:
Bardet-Biedl syndrome (BBS). Identifiers: Orphanet 110, MedGen C0752166, MONDO:0015229.

Submission:

Labcorp Genetics (formerly Invitae), Labcorp
Classification: Pathogenic for Bardet-Biedl syndrome. Last evaluated: 2024-01-16. Review status: criteria provided, single submitter. Criteria: Invitae Variant Classification Sherloc (09022015). Collection method: clinical testing. Allele origin: germline.
Comment: This sequence change creates a premature translational stop signal (p.Tyr589*) in the BBS2 gene. It is expected to result in an absent or disrupted protein product. Loss-of-function variants in BBS2 are known to be pathogenic (PMID: 11285252, 20177705, 24608809, 26518167). This variant is not present in population databases (gnomAD no frequency). This variant has not been reported in the literature in individuals affected with BBS2-related conditions. For these reasons, this variant has been classified as Pathogenic.

Literature cited by the submitters: PubMed 11285252; PubMed 20177705; PubMed 24608809; PubMed 26518167.

NM_031885.5(BBS2):c.1767T>G (p.Tyr589Ter)

Gene: BBS2 (Bardet-Biedl syndrome 2; minus strand). Cytogenetic location: 16q13.
Variant type: single nucleotide variant.
Coding change: c.1767T>G on transcript NM_031885.5 (MANE Select); coding-DNA position 1767, T replaced by G.
Protein change: p.Tyr589Ter; replaces tyrosine 589 with a stop codon.
Molecular consequence: nonsense. On other transcripts: non-coding transcript variant (5).
Genome position (GRCh38, 1-based): chr16:56,497,773, A>C on the plus strand (T>G on the coding strand, the complement: BBS2 is on the minus strand). VCF-style: chr16-56497773-A-C. GRCh37 (hg19) VCF-style: chr16-56531685-A-C.
Other names: c.1767T>G, p.Tyr589Ter (NM_001377456.1); short protein forms Y589*.
Identifiers: ClinVar variation 2860996 (VCV002860996.3), dbSNP rs2543698295, ClinGen allele CA395975840.
Genomic context (GRCh38, chr16:56,497,773, plus strand): 5'-CTCACAAATGCATCTACCGCATTCCCTCACCTTAACTAGCACCTTTCGTAATTCCTCAAA[A>C]TAGACAGGAAAATCCGCTTCTACTTGAAGGTCTTCAATAGCAAAAAATGATGCCATTGAC-3'